The following is an entry in ClinVar:

ClinVar aggregate classification (germline): Uncertain significance (1 of 4 stars; one submission).

Conditions:
Primary ciliary dyskinesia. Also called: Ciliary dyskinesia. Identifiers: Orphanet 244, MedGen C0008780, MONDO:0016575, HP:0012265.

Submission:

Labcorp Genetics (formerly Invitae), Labcorp
Classification: Uncertain significance for Primary ciliary dyskinesia. Last evaluated: 2020-07-31. Review status: criteria provided, single submitter. Criteria: Invitae Variant Classification Sherloc (09022015). Collection method: clinical testing. Allele origin: germline.
Comment: This variant has not been reported in the literature in individuals with RSPH1-related conditions. In summary, the available evidence is currently insufficient to determine the role of this variant in disease. Therefore, it has been classified as a Variant of Uncertain Significance. Algorithms developed to predict the effect of missense changes on protein structure and function (SIFT, PolyPhen-2, Align-GVGD) all suggest that this variant is likely to be tolerated, but these predictions have not been confirmed by published functional studies and their clinical significance is uncertain. This variant is not present in population databases (ExAC no frequency). This sequence change replaces leucine with valine at codon 224 of the RSPH1 protein (p.Leu224Val). The leucine residue is moderately conserved and there is a small physicochemical difference between leucine and valine.

NM_080860.4(RSPH1):c.670C>G (p.Leu224Val)

Gene: RSPH1 (radial spoke head component 1; minus strand). Cytogenetic location: 21q22.3.
Variant type: single nucleotide variant.
Coding change: c.670C>G on transcript NM_080860.4 (MANE Select); coding-DNA position 670, C replaced by G.
Protein change: p.Leu224Val; replaces leucine 224 with valine.
Molecular consequence: missense variant.
Genome position (GRCh38, 1-based): chr21:42,477,348, G>C on the plus strand (C>G on the coding strand, the complement: RSPH1 is on the minus strand). VCF-style: chr21-42477348-G-C. GRCh37 (hg19) VCF-style: chr21-43897458-G-C.
Other names: c.556C>G, p.Leu186Val (NM_001286506.2); short protein forms L186V, L224V.
Identifiers: ClinVar variation 1038588 (VCV001038588.9), dbSNP rs375795708, ClinGen allele CA410363440.